The following is an entry in ClinVar:

NM_000347.5:c.3855G>C

Gene: SPTB (spectrin beta, erythrocytic; minus strand).
Variant type: single nucleotide variant.
Identifiers: ClinVar variation 4527280 (VCV004527280.1).

ClinVar aggregate classification (germline): Uncertain significance (1 of 4 stars; one submission).

Submission:

GeneDx
Classification: Uncertain significance. Last evaluated: 2025-04-17. Review status: criteria provided, single submitter. Criteria: GeneDx Variant Classification Process June 2021. Collection method: clinical testing. Allele origin: germline. Affected: yes.
Comment: Not observed at significant frequency in large population cohorts (gnomAD); In silico analysis supports a deleterious effect on splicing; In silico analysis indicates that this missense variant does not alter protein structure/function; Has not been previously published as pathogenic or benign to our knowledge